The following is an entry in ClinVar:

ClinVar aggregate classification (germline): Likely benign (0 of 4 stars; one submission).

Conditions:
PLXNA1-related disorder. Also called: PLXNA1-related condition.

Allele frequency attached by ClinVar (database versions not stated): ExAC 0.00002; TOPMed 0.00006; gnomAD 0.00007; 1000 Genomes Project 30x 0.00031; 1000 Genomes Project 0.00040.
gnomAD v4.1: 115 of 1,613,298 alleles (0.0071%); highest among the groups gnomAD compares: South Asian, 0.014%; 1 homozygote.

Submission:

PreventionGenetics, part of Exact Sciences
Classification: Likely benign for PLXNA1-related condition. Last evaluated: 2023-03-10. Review status: no assertion criteria provided. Collection method: clinical testing. Allele origin: germline.
Comment: This variant is classified as likely benign based on ACMG/AMP sequence variant interpretation guidelines (Richards et al. 2015 PMID: 25741868, with internal and published modifications).

NM_032242.4(PLXNA1):c.225G>A (p.Ser75=)

Gene: PLXNA1 (plexin A1; plus strand). Cytogenetic location: 3q21.3.
Variant type: single nucleotide variant.
Coding change: c.225G>A on transcript NM_032242.4 (MANE Select); coding-DNA position 225, G replaced by A.
Protein change: p.Ser75=; no amino-acid change (serine 75 retained).
Molecular consequence: synonymous variant.
Genome position (GRCh38, 1-based): chr3:126,988,818, G>A. VCF-style: chr3-126988818-G-A. GRCh37 (hg19) VCF-style: chr3-126707661-G-A.
Identifiers: ClinVar variation 3040999 (VCV003040999.2), dbSNP rs540036317, ClinGen allele CA2592938.